The following is an entry in ClinVar:

ClinVar aggregate classification (germline): Uncertain significance (1 of 4 stars; one submission).

Conditions:
Myopathy, proximal, and ophthalmoplegia (CMYO6). Also called: MYOPATHY WITH CONGENITAL JOINT CONTRACTURES, OPHTHALMOPLEGIA, AND RIMMED VACUOLES; INCLUSION BODY MYOPATHY 3, AUTOSOMAL DOMINANT; CONGENITAL MYOPATHY 6 WITH OPHTHALMOPLEGIA. Identifiers: Orphanet 363677, Orphanet 79091, MedGen C1854106, MONDO:0011577, OMIM 605637.

Allele frequency attached by ClinVar (database versions not stated): gnomAD exomes below 0.00001.
gnomAD v4.1: 1 of 1,614,196 alleles (0.000062%); highest among the groups gnomAD compares: Non-Finnish European, 0.000085%; no homozygotes.

Submission:

Labcorp Genetics (formerly Invitae), Labcorp
Classification: Uncertain significance for Myopathy, proximal, and ophthalmoplegia. Last evaluated: 2022-08-23. Review status: criteria provided, single submitter. Criteria: Invitae Variant Classification Sherloc (09022015). Collection method: clinical testing. Allele origin: germline.
Comment: In summary, the available evidence is currently insufficient to determine the role of this variant in disease. Therefore, it has been classified as a Variant of Uncertain Significance. Algorithms developed to predict the effect of missense changes on protein structure and function (SIFT, PolyPhen-2, Align-GVGD) all suggest that this variant is likely to be disruptive. ClinVar contains an entry for this variant (Variation ID: 1018924). This variant has not been reported in the literature in individuals affected with MYH2-related conditions. This variant is not present in population databases (gnomAD no frequency). This sequence change replaces asparagine, which is neutral and polar, with tyrosine, which is neutral and polar, at codon 482 of the MYH2 protein (p.Asn482Tyr).

NM_017534.6(MYH2):c.1444A>T (p.Asn482Tyr)

Genes: MYH2 (myosin heavy chain 2; minus strand), MYHAS (myosin heavy chain gene cluster antisense RNA; plus strand). Cytogenetic location: 17p13.1.
Variant type: single nucleotide variant.
Coding change: c.1444A>T on transcript NM_017534.6 (MANE Select); coding-DNA position 1444, A replaced by T.
Protein change: p.Asn482Tyr; replaces asparagine 482 with tyrosine.
Molecular consequence: missense variant.
Genome position (GRCh38, 1-based): chr17:10,537,808, T>A on the plus strand (A>T on the coding strand, the complement: MYH2 is on the minus strand). VCF-style: chr17-10537808-T-A. GRCh37 (hg19) VCF-style: chr17-10441125-T-A.
Other names: c.1444A>T, p.Asn482Tyr (NM_001100112.2); short protein forms N482Y.
Identifiers: ClinVar variation 1018924 (VCV001018924.5), dbSNP rs886052570, ClinGen allele CA398158022.